The following is an entry in ClinVar:

NM_013382.7(POMT2):c.2035A>G (p.Ile679Val)

Gene: POMT2 (protein O-mannosyltransferase 2; minus strand). Cytogenetic location: 14q24.3.
Variant type: single nucleotide variant.
Coding change: c.2035A>G on transcript NM_013382.7 (MANE Select); coding-DNA position 2035, A replaced by G.
Protein change: p.Ile679Val; replaces isoleucine 679 with valine.
Molecular consequence: missense variant.
Genome position (GRCh38, 1-based): chr14:77,278,506, T>C on the plus strand (A>G on the coding strand, the complement: POMT2 is on the minus strand). VCF-style: chr14-77278506-T-C. GRCh37 (hg19) VCF-style: chr14-77744849-T-C.
Other names: short protein forms I679V.
Identifiers: ClinVar variation 2054343 (VCV002054343.4), dbSNP rs756482311, ClinGen allele CA7285558.
Genomic context (GRCh38, chr14:77,278,506, plus strand): 5'-TCGCCAGGGGCCATGAGGCCAAGCCCCAGGCACAGAGCCGCAGGAGGGTGTCCCACAGAA[T>C]GCCTAGAGGAGAGGAGAGAAACCTGGAGTCAGCCAGGCAGGGGGTGACTTCTGGGCTACA-3'
Protein context (NP_037514.2, residues 669-689): AMLFSSMLTG[Ile679Val]LWDTLLRLCA

ClinVar aggregate classification (germline): Uncertain significance (1 of 4 stars; one submission).

Conditions:
Muscular dystrophy-dystroglycanopathy (congenital with brain and eye anomalies), type A2. Also called: MUSCULAR DYSTROPHY-DYSTROGLYCANOPATHY (CONGENITAL WITH BRAIN AND EYE ANOMALIES), TYPE A, 2; WALKER-WARBURG SYNDROME OR MUSCLE-EYE-BRAIN DISEASE, POMT2-RELATED. Identifiers: Orphanet 588, Orphanet 899, MedGen C3150411, MONDO:0013154, OMIM 613150.
Autosomal recessive limb-girdle muscular dystrophy type 2N. Also called: MUSCULAR DYSTROPHY-DYSTROGLYCANOPATHY, LIMB-GIRDLE, POMT2-RELATED; Muscular dystrophy-dystroglycanopathy (limb-girdle), type C, 2. Identifiers: Orphanet 206559, MedGen C3150418, MONDO:0013162, OMIM 613158.
Muscular dystrophy-dystroglycanopathy (congenital with impaired intellectual development), type B, 2. Also called: Muscular dystrophy-dystroglycanopathy (congenital with intellectual disability), type B2; MUSCULAR DYSTROPHY, CONGENITAL, POMT2-RELATED. Identifiers: MedGen C3150416, MONDO:0013160, OMIM 613156.

Allele frequency attached by ClinVar (database versions not stated): gnomAD exomes below 0.00001; ExAC 0.00005.
gnomAD v4.1: 1 of 1,474,110 alleles (0.000068%); highest among the groups gnomAD compares: South Asian, 0.0012%; no homozygotes.

Submission:

Labcorp Genetics (formerly Invitae), Labcorp
Classification: Uncertain significance for Muscular dystrophy-dystroglycanopathy (congenital with impaired intellectual development), type B, 2; Muscular dystrophy-dystroglycanopathy (congenital with brain and eye anomalies), type A2; Autosomal recessive limb-girdle muscular dystrophy type 2N. Last evaluated: 2022-11-22. Review status: criteria provided, single submitter. Criteria: Invitae Variant Classification Sherloc (09022015). Collection method: clinical testing. Allele origin: germline.
Comment: In summary, the available evidence is currently insufficient to determine the role of this variant in disease. Therefore, it has been classified as a Variant of Uncertain Significance. Algorithms developed to predict the effect of missense changes on protein structure and function output the following: SIFT: "Tolerated"; PolyPhen-2: "Benign"; Align-GVGD: "Class C0". The valine amino acid residue is found in multiple mammalian species, which suggests that this missense change does not adversely affect protein function. This variant has not been reported in the literature in individuals affected with POMT2-related conditions. The frequency data for this variant in the population databases is considered unreliable, as metrics indicate poor data quality at this position in the gnomAD database. This sequence change replaces isoleucine, which is neutral and non-polar, with valine, which is neutral and non-polar, at codon 679 of the POMT2 protein (p.Ile679Val).